The following is an entry in ClinVar:

ClinVar aggregate classification (germline): Uncertain significance (1 of 4 stars; one submission).

gnomAD v4.1: 1 of 1,614,102 alleles (0.000062%); highest among the groups gnomAD compares: Non-Finnish European, 0.000085%; no homozygotes.

Submission:

Labcorp Genetics (formerly Invitae), Labcorp
Classification: Uncertain significance. Last evaluated: 2021-11-12. Review status: criteria provided, single submitter. Criteria: Invitae Variant Classification Sherloc (09022015). Collection method: clinical testing. Allele origin: germline.
Comment: In summary, the available evidence is currently insufficient to determine the role of this variant in disease. Therefore, it has been classified as a Variant of Uncertain Significance. Experimental studies and prediction algorithms are not available or were not evaluated, and the functional significance of this variant is currently unknown. This variant has not been reported in the literature in individuals affected with ARMC9-related conditions. This variant is not present in population databases (gnomAD no frequency). This sequence change replaces arginine, which is basic and polar, with leucine, which is neutral and non-polar, at codon 536 of the ARMC9 protein (p.Arg536Leu).

NM_001352754.2(ARMC9):c.1607G>T (p.Arg536Leu)

Gene: ARMC9 (armadillo repeat containing 9; plus strand). Cytogenetic location: 2q37.1.
Variant type: single nucleotide variant.
Coding change: c.1607G>T on transcript NM_001352754.2 (MANE Select); coding-DNA position 1607, G replaced by T.
Protein change: p.Arg536Leu; replaces arginine 536 with leucine.
Molecular consequence: missense variant. On other transcripts: non-coding transcript variant (1).
Genome position (GRCh38, 1-based): chr2:231,282,114, G>T. VCF-style: chr2-231282114-G-T. GRCh37 (hg19) VCF-style: chr2-232146827-G-T.
Other names: c.1607G>T, p.Arg536Leu (NM_001271466.4, NM_001291656.2, NM_001352755.2 and 3 more transcripts); c.1508G>T, p.Arg503Leu (NM_001352757.2, NM_001352758.2); short protein forms R536L, R503L.
Identifiers: ClinVar variation 1436480 (VCV001436480.6), dbSNP rs747666182, ClinGen allele CA350957237.
Genomic context (GRCh38, chr2:231,282,114, plus strand): 5'-TAAAGATACAGCCGTATGTGAATGGAGCTCTGTACAGCATCCTTTCTGTTCCATCCATTC[G>T]TGAGGAAGCAAGAGCAATGGTAAGAAAGCGTGCCTGAGAAACATGTGAGCTTCCTTTAGT-3'
Protein context (NP_001339683.2, residues 526-546): LYSILSVPSI[Arg536Leu]EEARAMGMED